The following is an entry in ClinVar:

ClinVar aggregate classification (germline): Uncertain significance. Review status: criteria provided, multiple submitters, no conflicts (2 of 4 stars). 2 submissions from 2 submitters: Uncertain significance (2). Last evaluated 2025-11-24.

Conditions:
Inborn genetic diseases. Identifiers: MedGen C0950123, MeSH D030342.
Developmental and epileptic encephalopathy, 23 (DEE23). Also called: Epileptic encephalopathy, early infantile, 23. Identifiers: Orphanet 411986, MedGen C4014492, MONDO:0014371, OMIM 615859.

Allele frequency attached by ClinVar (database versions not stated): gnomAD 0.00003; TOPMed 0.00003; gnomAD exomes below 0.00001; ExAC 0.00001.
gnomAD v4.1: 6 of 1,613,888 alleles (0.00037%); highest among the groups gnomAD compares: African/African-American, 0.008%; no homozygotes.

Submissions (2):

Ambry Genetics
Classification: Uncertain significance for Inborn genetic diseases. Last evaluated: 2025-11-24. Review status: criteria provided, single submitter. Criteria: Ambry Variant Classification Scheme 2023. Collection method: clinical testing. Allele origin: germline.

Labcorp Genetics (formerly Invitae), Labcorp
Classification: Uncertain significance for Developmental and epileptic encephalopathy, 23. Last evaluated: 2022-05-03. Review status: criteria provided, single submitter. Criteria: Invitae Variant Classification Sherloc (09022015). Collection method: clinical testing. Allele origin: germline.
Comment: This variant is present in population databases (rs763241007, gnomAD 0.008%). This sequence change replaces asparagine, which is neutral and polar, with threonine, which is neutral and polar, at codon 899 of the DOCK7 protein (p.Asn899Thr). This variant has not been reported in the literature in individuals affected with DOCK7-related conditions. Algorithms developed to predict the effect of missense changes on protein structure and function are either unavailable or do not agree on the potential impact of this missense change (SIFT: "Deleterious"; PolyPhen-2: "Possibly Damaging"; Align-GVGD: "Class C0"). In summary, the available evidence is currently insufficient to determine the role of this variant in disease. Therefore, it has been classified as a Variant of Uncertain Significance.

NM_001367561.1(DOCK7):c.2696A>C (p.Asn899Thr)

Gene: DOCK7 (dedicator of cytokinesis 7; minus strand). Cytogenetic location: 1p31.3.
Variant type: single nucleotide variant.
Coding change: c.2696A>C on transcript NM_001367561.1 (MANE Select); coding-DNA position 2696, A replaced by C.
Protein change: p.Asn899Thr; replaces asparagine 899 with threonine.
Molecular consequence: missense variant.
Genome position (GRCh38, 1-based): chr1:62,552,802, T>G on the plus strand (A>C on the coding strand, the complement: DOCK7 is on the minus strand). VCF-style: chr1-62552802-T-G. GRCh37 (hg19) VCF-style: chr1-63018473-T-G.
Other names: c.2696A>C (NM_033407.2); c.2696A>C, p.Asn899Thr (NM_001272001.2, NM_001330614.2, NM_033407.4 and 2 more transcripts); short protein forms N899T.
Identifiers: ClinVar variation 2193783 (VCV002193783.3), dbSNP rs763241007, ClinGen allele CA886198.
Genomic context (GRCh38, chr1:62,552,802, plus strand): 5'-ATGATTGATCGAACTTCATCATCTGGTGACGTGGGAGTCCCAGATATATCTGGATTGCTA[T>G]TACTAAGGCTTCGAGAACGATTTAAATTAAGGCTTGCAGGTCTCACCGCAGATCTAGCCA-3'
Protein context (NP_001354490.1, residues 889-909): LNLNRSRSLS[Asn899Thr]SNPDISGTPT